The following is an entry in ClinVar:

ClinVar aggregate classification (germline): Uncertain significance (1 of 4 stars; one submission).

Conditions:
Aortic aneurysm, familial thoracic 7 (AAT7). Also called: AORTIC DISSECTION, FAMILIAL, WITH OR WITHOUT AORTIC ANEURYSM. Identifiers: MedGen C3151077, MONDO:0013418, OMIM 613780.

Allele frequency attached by ClinVar (database versions not stated): gnomAD 0.00001; gnomAD exomes 0.00001; TOPMed 0.00001.
gnomAD v4.1: 6 of 1,614,102 alleles (0.00037%); highest among the groups gnomAD compares: African/African-American, 0.0013%; no homozygotes.

Submission:

Labcorp Genetics (formerly Invitae), Labcorp
Classification: Uncertain significance for Aortic aneurysm, familial thoracic 7. Last evaluated: 2022-03-14. Review status: criteria provided, single submitter. Criteria: Invitae Variant Classification Sherloc (09022015). Collection method: clinical testing. Allele origin: germline.
Comment: In summary, the available evidence is currently insufficient to determine the role of this variant in disease. Therefore, it has been classified as a Variant of Uncertain Significance. Advanced modeling of protein sequence and biophysical properties (such as structural, functional, and spatial information, amino acid conservation, physicochemical variation, residue mobility, and thermodynamic stability) performed at Invitae indicates that this missense variant is not expected to disrupt MYLK protein function. This variant has not been reported in the literature in individuals affected with MYLK-related conditions. This sequence change replaces aspartic acid, which is acidic and polar, with asparagine, which is neutral and polar, at codon 1686 of the MYLK protein (p.Asp1686Asn). This variant is present in population databases (no rsID available, gnomAD 0.004%).

NM_053025.4(MYLK):c.5056G>A (p.Asp1686Asn)

Genes: MYLK (myosin light chain kinase; minus strand), MYLK-AS1 (MYLK antisense RNA 1; plus strand), LOC126806791 (MED14-independent group 3 enhancer GRCh37_chr3:123347871-123349070; plus strand). Cytogenetic location: 3q21.1.
Variant type: single nucleotide variant.
Coding change: c.5056G>A on transcript NM_053025.4 (MANE Select); coding-DNA position 5056, G replaced by A.
Protein change: p.Asp1686Asn; replaces aspartic acid 1686 with asparagine.
Molecular consequence: missense variant. On other transcripts: non-coding transcript variant (2), intron variant (2).
Genome position (GRCh38, 1-based): chr3:123,629,532, C>T on the plus strand (G>A on the coding strand, the complement: MYLK is on the minus strand). VCF-style: chr3-123629532-C-T. GRCh37 (hg19) VCF-style: chr3-123348379-C-T.
Other names: c.4528G>A, p.Asp1510Asn (NM_001321309.2); c.4849G>A, p.Asp1617Asn (NM_053026.4); c.4755-2591G>A (NM_053028.4); c.4962-2591G>A (NM_053027.4); short protein forms D1617N, D1510N, D1686N.
Identifiers: ClinVar variation 2181134 (VCV002181134.4), dbSNP rs1483753716, ClinGen allele CA354233231.